The following is an entry in ClinVar:

NM_003722.5(TP63):c.1558A>C (p.Ser520Arg)

Gene: TP63 (tumor protein p63; plus strand). Cytogenetic location: 3q28.
Variant type: single nucleotide variant.
Coding change: c.1558A>C on transcript NM_003722.5 (MANE Select); coding-DNA position 1558, A replaced by C.
Protein change: p.Ser520Arg; replaces serine 520 with arginine.
Molecular consequence: missense variant. On other transcripts: intron variant (4).
Genome position (GRCh38, 1-based): chr3:189,889,390, A>C. VCF-style: chr3-189889390-A-C. GRCh37 (hg19) VCF-style: chr3-189607179-A-C.
Other names: c.1558A>C, p.Ser520Arg (NM_001114978.2); c.1276A>C, p.Ser426Arg (NM_001114980.2, NM_001114981.2); c.1021A>C, p.Ser341Arg (NM_001329146.2); c.1546A>C, p.Ser516Arg (NM_001329148.2); c.1552A>C, p.Ser518Arg (NM_001329964.2); c.1507+2839A>C (NM_001329144.2); c.1225+2839A>C (NM_001329145.2); c.1213+2839A>C (NM_001329149.2); and 1 more; short protein forms S426R, S516R, S518R, S341R, S520R.
Identifiers: ClinVar variation 2750151 (VCV002750151.2), dbSNP rs2474707483, ClinGen allele CA355758281.
Genomic context (GRCh38, chr3:189,889,390, plus strand): 5'-TTCTGTTCAGTTCCCATGATGGGCACCCACATGCCAATGGCTGGAGACATGAATGGACTC[A>C]GCCCCACCCAGGCACTCCCTCCCCCACTCTCCATGCCATCCACCTCCCACTGCACACCCC-3'
Protein context (NP_003713.3, residues 510-530): MPMAGDMNGL[Ser520Arg]PTQALPPPLS

ClinVar aggregate classification (germline): Uncertain significance (1 of 4 stars; one submission).

Conditions:
TP63-Related Spectrum Disorders.

Submission:

Labcorp Genetics (formerly Invitae), Labcorp
Classification: Uncertain significance. Last evaluated: 2023-08-14. Review status: criteria provided, single submitter. Criteria: Invitae Variant Classification Sherloc (09022015). Collection method: clinical testing. Allele origin: germline.
Comment: In summary, the available evidence is currently insufficient to determine the role of this variant in disease. Therefore, it has been classified as a Variant of Uncertain Significance. Advanced modeling of protein sequence and biophysical properties (such as structural, functional, and spatial information, amino acid conservation, physicochemical variation, residue mobility, and thermodynamic stability) has been performed at Invitae for this missense variant, however the output from this modeling did not meet the statistical confidence thresholds required to predict the impact of this variant on TP63 protein function. This variant has not been reported in the literature in individuals affected with TP63-related conditions. This variant is not present in population databases (gnomAD no frequency). This sequence change replaces serine, which is neutral and polar, with arginine, which is basic and polar, at codon 520 of the TP63 protein (p.Ser520Arg).